The following is an entry in ClinVar:

NM_000492.4(CFTR):c.2909-1G>A

Genes: CFTR (CF transmembrane conductance regulator; plus strand), CFTR-AS2 (CFTR antisense RNA 2; minus strand). Cytogenetic location: 7q31.2.
Variant type: single nucleotide variant.
Coding change: c.2909-1G>A on transcript NM_000492.4 (MANE Select); the canonical splice acceptor site of the intron before coding-DNA position 2909, G replaced by A.
Molecular consequence: splice acceptor variant.
Genome position (GRCh38, 1-based): chr7:117,606,673, G>A. VCF-style: chr7-117606673-G-A. GRCh37 (hg19) VCF-style: chr7-117246727-G-A.
Identifiers: ClinVar variation 1322070 (VCV001322070.5), dbSNP rs397508456, ClinGen allele CA326962.

ClinVar aggregate classification (germline): Pathogenic. Review status: criteria provided, multiple submitters, no conflicts (2 of 4 stars). 2 submissions from 2 submitters: Pathogenic (2). Last evaluated 2025-04-17.

Conditions:
CFTR-related disorder (CFTR-RD). Also called: CFTR-related condition; CFTR-related disorders. Identifiers: MedGen C5924204, MONDO:7770004.

Submissions (2):

Revvity Omics, Revvity
Classification: Pathogenic. Last evaluated: 2025-04-17. Review status: criteria provided, single submitter. Criteria: ACMG Guidelines, 2015. Collection method: clinical testing. Allele origin: germline.

Natera, Inc.
Classification: Pathogenic for CFTR-related disorders. Last evaluated: 2025-01-27. Review status: criteria provided, single submitter. Criteria: Natera Variant Classification Schema (03/2026). Collection method: clinical testing. Allele origin: germline.
Comment: The c.2909-1G>A variant in CFTR is a canonical splice acceptor site variant predicted to affect pre-mRNA splicing, which may result in an abnormal transcript and altered protein product. This variant is expected to result in nonsense mediated decay, truncation, or a dysfunctional protein product. This variant is rare in the general population with a frequency below the threshold expected for the associated phenotype(s). This variant has been observed in one or more individuals affected with the associated recessive disease, as either homozygous or compound heterozygous with a second variant (PMID: 36416003). Given the available evidence, this variant is classified as Pathogenic.

Literature cited by the submitters: PubMed 36416003 (cited by Natera, Inc.).